The following is an entry in ClinVar:

ClinVar aggregate classification (germline): Uncertain significance (1 of 4 stars; one submission).

Conditions:
Werner syndrome (WRN). Identifiers: Orphanet 902, MedGen C0043119, MONDO:0010196, OMIM 277700.

Submission:

Labcorp Genetics (formerly Invitae), Labcorp
Classification: Uncertain significance for Werner syndrome. Last evaluated: 2026-01-26. Review status: criteria provided, single submitter. Criteria: Invitae Variant Classification Sherloc (09022015). Collection method: clinical testing. Allele origin: germline.
Comment: This sequence change replaces arginine, which is basic and polar, with tryptophan, which is neutral and slightly polar, at codon 279 of the WRN protein (p.Arg279Trp). Information on the frequency of this variant in the gnomAD database is not available, as this variant may be reported differently in the database. This variant has not been reported in the literature in individuals affected with WRN-related conditions. ClinVar contains an entry for this variant (Variation ID: 458501). Experimental studies and prediction algorithms are not available or were not evaluated, and the functional significance of this variant is currently unknown. In summary, the available evidence is currently insufficient to determine the role of this variant in disease. Therefore, it has been classified as a Variant of Uncertain Significance.

NM_000553.6(WRN):c.834_835delinsTT (p.Arg279Trp)

Gene: WRN (WRN RecQ like helicase; plus strand). Cytogenetic location: 8p12.
Variant type: Indel.
Coding change: c.834_835delinsTT on transcript NM_000553.6 (MANE Select); coding-DNA positions 834 to 835, AC replaced by TT.
Protein change: p.Arg279Trp; replaces arginine 279 with tryptophan.
Molecular consequence: missense variant.
Genome position (GRCh38, 1-based): chr8:31,076,282-31,076,283, AC replaced by TT. VCF-style: chr8-31076282-AC-TT. GRCh37 (hg19) VCF-style: chr8-30933798-AC-TT.
Other names: short protein forms R279W.
Identifiers: ClinVar variation 458501 (VCV000458501.8), dbSNP rs1554520281, ClinGen allele CA658657759.
Genomic context (GRCh38, chr8:31,076,282, plus strand): 5'-TGAGGAAGTGATGGATCTGGCTAAGCATCTTCCTCATGCTTTCAGTAAATTGGAAAACCC[AC>TT]GGAGGTTAAATATTACCTTTTTTTTTTTTAACTTAAATCAATTCTGTTTATTTTTTTATC-3'
Protein context (NP_000544.2, residues 269-289): PHAFSKLENP[Arg279Trp]RVSILLKDIS